The following is an entry in ClinVar:

ClinVar aggregate classification (germline): Likely benign. Review status: criteria provided, single submitter (1 of 4 stars). 2 submissions from 2 submitters: Likely benign (1). 1 of the submissions does not count toward it. Last evaluated 2023-03-26.

Conditions:
SLC3A1-related disorder. Also called: SLC3A1-related condition.
Cystinuria (CSNU). Also called: Cystinuria, non-type I; CYSTINURIA, TYPE I; CYSTINURIA, TYPE II; CYSTINURIA, TYPE III. Identifiers: Orphanet 214, MedGen C0010691, MONDO:0009067, OMIM 220100, HP:0003131.

Allele frequency attached by ClinVar (database versions not stated): ExAC 0.00002.
gnomAD v4.1: 13 of 1,614,128 alleles (0.00081%); highest among the groups gnomAD compares: Admixed American, 0.022%; no homozygotes.

Submissions (2):

Labcorp Genetics (formerly Invitae), Labcorp
Classification: Likely benign for Cystinuria. Last evaluated: 2023-03-26. Review status: criteria provided, single submitter. Criteria: Invitae Variant Classification Sherloc (09022015). Collection method: clinical testing. Allele origin: germline.

PreventionGenetics, part of Exact Sciences
Classification: Likely benign for SLC3A1-related condition. Last evaluated: 2019-03-07. Review status: no assertion criteria provided. Collection method: clinical testing. Allele origin: germline. Not counted in ClinVar's aggregate classification.
Comment: This variant is classified as likely benign based on ACMG/AMP sequence variant interpretation guidelines (Richards et al. 2015 PMID: 25741868, with internal and published modifications).

NM_000341.4(SLC3A1):c.1756C>T (p.Leu586=)

Genes: PREPL (prolyl endopeptidase like; minus strand), SLC3A1 (solute carrier family 3 member 1; plus strand). Cytogenetic location: 2p21.
Variant type: single nucleotide variant.
Coding change: c.1756C>T on transcript NM_000341.4 (MANE Select); coding-DNA position 1756, C replaced by T.
Protein change: p.Leu586=; no amino-acid change (leucine 586 retained).
Molecular consequence: synonymous variant. On other transcripts: 3 prime UTR variant (10).
Genome position (GRCh38, 1-based): chr2:44,320,337, C>T. VCF-style: chr2-44320337-C-T. GRCh37 (hg19) VCF-style: chr2-44547476-C-T.
Other names: c.*1019G>A (NM_001042385.2, NM_001042386.2, NM_001171603.1 and 7 more transcripts).
Identifiers: ClinVar variation 2904920 (VCV002904920.5), dbSNP rs765436747, ClinGen allele CA1640752.